The following is an entry in ClinVar:

NM_005535.3(IL12RB1):c.1983+4C>T

Gene: IL12RB1 (interleukin 12 receptor subunit beta 1; minus strand). Cytogenetic location: 19p13.11.
Variant type: single nucleotide variant.
Coding change: c.1983+4C>T on transcript NM_005535.3 (MANE Select); 4 bases into the intron after coding-DNA position 1983, C replaced by T.
Molecular consequence: intron variant.
Genome position (GRCh38, 1-based): chr19:18,059,890, G>A on the plus strand (C>T on the coding strand, the complement: IL12RB1 is on the minus strand). VCF-style: chr19-18059890-G-A. GRCh37 (hg19) VCF-style: chr19-18170700-G-A.
Other names: c.2103+4C>T (NM_001290024.2); c.1970+17C>T (NM_001290023.2); c.1991+17C>T (NM_001440425.1); c.2004+4C>T (NM_001440424.1).
Identifiers: ClinVar variation 2117150 (VCV002117150.4), dbSNP rs1214982320, ClinGen allele CA632136852.

ClinVar aggregate classification (germline): Uncertain significance (1 of 4 stars; one submission).

Conditions:
Mendelian susceptibility to mycobacterial diseases due to complete IL12RB1 deficiency. Also called: IL12RB1 DEFICIENCY; Immunodeficiency 30. Identifiers: Orphanet 319552, MedGen C4013949, MONDO:0013955, OMIM 614891.

Allele frequency attached by ClinVar (database versions not stated): gnomAD exomes below 0.00001.
gnomAD v4.1: 2 of 1,537,996 alleles (0.00013%); highest among the groups gnomAD compares: Non-Finnish European, 0.00018%; no homozygotes.

Submission:

Labcorp Genetics (formerly Invitae), Labcorp
Classification: Uncertain significance for Mendelian susceptibility to mycobacterial diseases due to complete IL12RB1 deficiency. Last evaluated: 2022-03-26. Review status: criteria provided, single submitter. Criteria: Invitae Variant Classification Sherloc (09022015). Collection method: clinical testing. Allele origin: germline.
Comment: In summary, the available evidence is currently insufficient to determine the role of this variant in disease. Therefore, it has been classified as a Variant of Uncertain Significance. Variants that disrupt the consensus splice site are a relatively common cause of aberrant splicing (PMID: 17576681, 9536098). Algorithms developed to predict the effect of sequence changes on RNA splicing suggest that this variant is not likely to affect RNA splicing. This variant has not been reported in the literature in individuals affected with IL12RB1-related conditions. This variant is not present in population databases (gnomAD no frequency). This sequence change falls in intron 16 of the IL12RB1 gene. It does not directly change the encoded amino acid sequence of the IL12RB1 protein. It affects a nucleotide within the consensus splice site.

Literature cited by the submitters: PubMed 17576681; PubMed 9536098.